The following is an entry in ClinVar:

NM_001042492.3(NF1):c.204+5G>A

Gene: NF1 (neurofibromin 1; plus strand). Cytogenetic location: 17q11.2.
Variant type: single nucleotide variant.
Coding change: c.204+5G>A on transcript NM_001042492.3 (MANE Select); 5 bases into the intron after coding-DNA position 204, G replaced by A.
Molecular consequence: intron variant.
Genome position (GRCh38, 1-based): chr17:31,156,131, G>A. VCF-style: chr17-31156131-G-A. GRCh37 (hg19) VCF-style: chr17-29483149-G-A.
Other names: c.204+5G>A (NM_000267.4, NM_001128147.3).
Identifiers: ClinVar variation 3363206 (VCV003363206.1).

ClinVar aggregate classification (germline): Uncertain significance (1 of 4 stars; one submission).

Submission:

GeneDx
Classification: Uncertain significance. Last evaluated: 2023-10-19. Review status: criteria provided, single submitter. Criteria: GeneDx Variant Classification Process June 2021. Collection method: clinical testing. Allele origin: germline. Affected: yes.
Comment: Has not been previously published as pathogenic or benign to our knowledge; In silico analysis is inconclusive as to whether the variant alters gene splicing. In the absence of RNA/functional studies, the actual effect of this sequence change is unknown.